The following is an entry in ClinVar:

NM_004444.5(EPHB4):c.8T>C (p.Leu3Pro)

Genes: EPHB4 (EPH receptor B4; minus strand), SLC12A9 (solute carrier family 12 member 9; plus strand). Cytogenetic location: 7q22.1.
Variant type: single nucleotide variant.
Coding change: c.8T>C on transcript NM_004444.5 (MANE Select); coding-DNA position 8, T replaced by C.
Protein change: p.Leu3Pro; replaces leucine 3 with proline.
Molecular consequence: missense variant. On other transcripts: 5 prime UTR variant (1).
Genome position (GRCh38, 1-based): chr7:100,827,023, A>G on the plus strand (T>C on the coding strand, the complement: EPHB4 is on the minus strand). VCF-style: chr7-100827023-A-G. GRCh37 (hg19) VCF-style: chr7-100424645-A-G.
Other names: c.-6A>G (NM_001363494.1); short protein forms L3P.
Identifiers: ClinVar variation 2043610 (VCV002043610.5), dbSNP rs1299609173, ClinGen allele CA368585869.
Genomic context (GRCh38, chr7:100,827,023, plus strand): 5'-CCGCAAGGAAACTCACCTTCCAAAGCTGCGGCCAACGAAGCCCAGCAGAGCAGCACCCGG[A>G]GCTCCATGGCGCCGCCTCACTCGGGTAGGATCCGAACTGAGTTTGGGGGGCCCTCGCCCC-3'
Protein context (NP_004435.3, residues 1-13): ME[Leu3Pro]RVLLCWASLA

ClinVar aggregate classification (germline): Uncertain significance. Review status: criteria provided, multiple submitters, no conflicts (2 of 4 stars). 2 submissions from 2 submitters: Uncertain significance (2). Last evaluated 2024-01-31.

Conditions:
Cardiovascular phenotype. Identifiers: MedGen CN230736.

Allele frequency attached by ClinVar (database versions not stated): TOPMed below 0.00001; gnomAD exomes below 0.00001.
gnomAD v4.1: 1 of 1,583,638 alleles (0.000063%); highest among the groups gnomAD compares: Admixed American, 0.0018%; no homozygotes.

Submissions (2):

Ambry Genetics
Classification: Uncertain significance for Cardiovascular phenotype. Last evaluated: 2024-01-31. Review status: criteria provided, single submitter. Criteria: Ambry Variant Classification Scheme 2023. Collection method: clinical testing. Allele origin: germline.
Comment: The p.L3P variant (also known as c.8T>C), located in coding exon 1 of the EPHB4 gene, results from a T to C substitution at nucleotide position 8. The leucine at codon 3 is replaced by proline, an amino acid with similar properties. This amino acid position is conserved. In addition, the in silico prediction for this alteration is inconclusive. Based on the available evidence, the clinical significance of this alteration remains unclear.

Labcorp Genetics (formerly Invitae), Labcorp
Classification: Uncertain significance. Last evaluated: 2022-07-20. Review status: criteria provided, single submitter. Criteria: Invitae Variant Classification Sherloc (09022015). Collection method: clinical testing. Allele origin: germline.
Comment: In summary, the available evidence is currently insufficient to determine the role of this variant in disease. Therefore, it has been classified as a Variant of Uncertain Significance. Algorithms developed to predict the effect of missense changes on protein structure and function (SIFT, PolyPhen-2, Align-GVGD) all suggest that this variant is likely to be tolerated. This variant has not been reported in the literature in individuals affected with EPHB4-related conditions. This variant is not present in population databases (gnomAD no frequency). This sequence change replaces leucine, which is neutral and non-polar, with proline, which is neutral and non-polar, at codon 3 of the EPHB4 protein (p.Leu3Pro).